The following is an entry in ClinVar:

NM_020297.4(ABCC9):c.2339+8_2339+9insACAGAGGTAATTTTTTTTTTTTTTTTTTTTTTTTNNNNNNNNNNGTGATCCGCCCGCCTCGGCCTCCCAAAGTGCTGGGATTACAGGCGTGAGCCACCGCGCCCGGCC

Gene: ABCC9 (ATP binding cassette subfamily C member 9; minus strand). Cytogenetic location: 12p12.1.
Variant type: Microsatellite.
Coding change: c.2339+8_2339+9insACAGAGGTAATTTTTTTTTTTTTTTTTTTTTTTTNNNNNNNNNNGTGATCCGCCCGCCTCGGCCTCCCAAAGTGCTGGGATTACAGGCGTGAGCCACCGCGCCCGGCC on transcript NM_020297.4 (MANE Select); bases 8 to 9 of the intron after coding-DNA position 2339, ACAGAGGTAATTTTTTTTTTTTTTTTTTTTTTTTNNNNNNNNNNGTGATCCGCCCGCCTCGGCCTCCCAAAGTGCTGGGATTACAGGCGTGAGCCACCGCGCCCGGCC inserted.
Molecular consequence: splice donor variant.
Genome position: GRCh38: chr12:21,862,945-21,862,958. GRCh37 (hg19): chr12:22,015,879-22,015,892.
Other names: c.1472+8_1472+9insACAGAGGTAATTTTTTTTTTTTTTTTTTTTTTTTNNNNNNNNNNGTGATCCGCCCGCCTCGGCCTCCCAAAGTGCTGGGATTACAGGCGTGAGCCACCGCGCCCGGCC (NM_001377274.1); c.2339+8_2339+9insACAGAGGTAATTTTTTTTTTTTTTTTTTTTTTTTNNNNNNNNNNGTGATCCGCCCGCCTCGGCCTCCCAAAGTGCTGGGATTACAGGCGTGAGCCACCGCGCCCGGCC (NM_005691.4, NM_001377273.1).
Identifiers: ClinVar variation 2017192 (VCV002017192.4).

ClinVar aggregate classification (germline): Uncertain significance (1 of 4 stars; one submission).

Conditions:
Dilated cardiomyopathy 1O (CMD1O). Also called: CARDIOMYOPATHY, DILATED, WITH VENTRICULAR TACHYCARDIA. Identifiers: Orphanet 154, MedGen C1837839, MONDO:0012062, OMIM 608569.

Submission:

Labcorp Genetics (formerly Invitae), Labcorp
Classification: Uncertain significance for Dilated cardiomyopathy 1O. Last evaluated: 2022-07-14. Review status: criteria provided, single submitter. Criteria: Invitae Variant Classification Sherloc (09022015). Collection method: clinical testing. Allele origin: germline.
Comment: This variant is not present in population databases (gnomAD no frequency). In summary, the available evidence is currently insufficient to determine the role of this variant in disease. Therefore, it has been classified as a Variant of Uncertain Significance. Algorithms developed to predict the effect of sequence changes on RNA splicing suggest that this variant may create or strengthen a splice site. This variant has not been reported in the literature in individuals affected with ABCC9-related conditions. This sequence change falls in intron 18 of the ABCC9 gene. It does not directly change the encoded amino acid sequence of the ABCC9 protein.